The following is an entry in ClinVar:

ClinVar aggregate classification (germline): Uncertain significance (1 of 4 stars; one submission).

Conditions:
Inborn genetic diseases. Identifiers: MedGen C0950123, MeSH D030342.

gnomAD v4.1: 3 of 1,614,098 alleles (0.00019%); highest among the groups gnomAD compares: Non-Finnish European, 0.00025%; no homozygotes.

Submission:

Ambry Genetics
Classification: Uncertain significance for Inborn genetic diseases. Last evaluated: 2025-01-31. Review status: criteria provided, single submitter. Criteria: Ambry Variant Classification Scheme 2023. Collection method: clinical testing. Allele origin: germline.
Comment: The p.A714P variant (also known as c.2140G>C), located in coding exon 12 of the BMPR2 gene, results from a G to C substitution at nucleotide position 2140. The alanine at codon 714 is replaced by proline, an amino acid with highly similar properties. This amino acid position is conserved. In addition, this alteration is predicted to be deleterious by in silico analysis. Based on the available evidence, the clinical significance of this variant remains unclear.

NM_001204.7(BMPR2):c.2140G>C (p.Ala714Pro)

Gene: BMPR2 (bone morphogenetic protein receptor type 2; plus strand). Cytogenetic location: 2q33.2.
Variant type: single nucleotide variant.
Coding change: c.2140G>C on transcript NM_001204.7 (MANE Select); coding-DNA position 2140, G replaced by C.
Protein change: p.Ala714Pro; replaces alanine 714 with proline.
Molecular consequence: missense variant.
Genome position (GRCh38, 1-based): chr2:202,555,805, G>C. VCF-style: chr2-202555805-G-C. GRCh37 (hg19) VCF-style: chr2-203420528-G-C.
Other names: short protein forms A714P.
Identifiers: ClinVar variation 3824865 (VCV003824865.1).